The following is an entry in ClinVar:

ClinVar aggregate classification (germline): Uncertain significance (1 of 4 stars; one submission).

Conditions:
Facioscapulohumeral muscular dystrophy 2 (FSHD2). Also called: MUSCULAR DYSTROPHY, FACIOSCAPULOHUMERAL, TYPE 1B; FACIOSCAPULOHUMERAL MUSCULAR DYSTROPHY 2, DIGENIC; FSHD2, DIGENIC. Identifiers: Orphanet 269, MedGen C1834671, MONDO:0008031, OMIM 158901.

Allele frequency attached by ClinVar (database versions not stated): gnomAD exomes below 0.00001; ExAC 0.00001; gnomAD 0.00001; TOPMed 0.00001.
gnomAD v4.1: 6 of 1,489,288 alleles (0.0004%); highest among the groups gnomAD compares: Admixed American, 0.0055%; no homozygotes.

Submission:

Labcorp Genetics (formerly Invitae), Labcorp
Classification: Uncertain significance for Facioscapulohumeral muscular dystrophy 2. Last evaluated: 2023-10-19. Review status: criteria provided, single submitter. Criteria: Invitae Variant Classification Sherloc (09022015). Collection method: clinical testing. Allele origin: germline.
Comment: This sequence change falls in intron 40 of the SMCHD1 gene. It does not directly change the encoded amino acid sequence of the SMCHD1 protein. The frequency data for this variant in the population databases is considered unreliable, as metrics indicate poor data quality at this position in the gnomAD database. This variant has not been reported in the literature in individuals affected with SMCHD1-related conditions. ClinVar contains an entry for this variant (Variation ID: 2106311). Algorithms developed to predict the effect of sequence changes on RNA splicing suggest that this variant may create or strengthen a splice site. In summary, the available evidence is currently insufficient to determine the role of this variant in disease. Therefore, it has been classified as a Variant of Uncertain Significance.

NM_015295.3(SMCHD1):c.5052+16A>G

Gene: SMCHD1 (structural maintenance of chromosomes flexible hinge domain containing 1; plus strand). Cytogenetic location: 18p11.32.
Variant type: single nucleotide variant.
Coding change: c.5052+16A>G on transcript NM_015295.3 (MANE Select); 16 bases into the intron after coding-DNA position 5052, A replaced by G.
Molecular consequence: intron variant.
Genome position (GRCh38, 1-based): chr18:2,771,634, A>G. VCF-style: chr18-2771634-A-G. GRCh37 (hg19) VCF-style: chr18-2771632-A-G.
Identifiers: ClinVar variation 2106311 (VCV002106311.4), dbSNP rs769008837, ClinGen allele CA8871644.
Genomic context (GRCh38, chr18:2,771,634, plus strand): 5'-AATGAACTAAAAATACATAATATTGACATTCCTACAACACAACAGGTACAGCTTCCAACT[A>G]TACGTGAAAGATTTTTTATTAAAGTCTATTCTACAATTTTCTCAATTATTCAGTTTTTAT-3'